The following is an entry in ClinVar:

ClinVar aggregate classification (germline): Benign. Review status: criteria provided, multiple submitters, no conflicts (2 of 4 stars). 5 submissions from 5 submitters: Benign (5). Last evaluated 2026-02-03.

Conditions:
Succinate-semialdehyde dehydrogenase deficiency (SSADHD). Also called: SSADH DEFICIENCY; Succinic Semialdehyde Dehydrogenase Deficiency; 4-HYDROXYBUTYRIC ACIDURIA; GABA METABOLIC DEFECT. Identifiers: Orphanet 22, MedGen C0268631, MONDO:0010083, OMIM 271980.

Allele frequency attached by ClinVar (database versions not stated): 1000 Genomes Project 0.00319; 1000 Genomes Project 30x 0.00328; ExAC 0.00551; ESP Exome Variant Server 0.00038; gnomAD exomes 0.00144 and 0.00679; gnomAD 0.00146; TOPMed 0.00307.
gnomAD v4.1: 2,416 of 1,614,018 alleles (0.15%); highest among the groups gnomAD compares: Admixed American, 3.8%; 68 homozygotes.

Submissions (5):

Labcorp Genetics (formerly Invitae), Labcorp
Classification: Benign for Succinate-semialdehyde dehydrogenase deficiency. Last evaluated: 2026-02-03. Review status: criteria provided, single submitter. Criteria: Invitae Variant Classification Sherloc (09022015). Collection method: clinical testing. Allele origin: germline.

Mayo Clinic Laboratories, Mayo Clinic
Classification: Benign. Last evaluated: 2025-07-09. Review status: criteria provided, single submitter. Criteria: ACMG Guidelines, 2015. Collection method: clinical testing. Allele origin: germline. Observed: 7 variant alleles.
Comment: BA1, BS2, PP3_moderate

GeneDx
Classification: Benign. Last evaluated: 2019-08-27. Review status: criteria provided, single submitter. Criteria: GeneDx Variant Classification Process June 2021. Collection method: clinical testing. Allele origin: germline. Affected: yes.
Comment: This variant is associated with the following publications: (PMID: 29453517)

Illumina Laboratory Services, Illumina
Classification: Benign for Succinate-semialdehyde dehydrogenase deficiency. Last evaluated: 2018-01-12. Review status: criteria provided, single submitter. Criteria: ICSL Variant Classification Criteria 13 December 2019. Collection method: clinical testing. Allele origin: germline.
Comment: This variant was observed in the ICSL laboratory as part of a predisposition screen in an ostensibly healthy population. It had not been previously curated by ICSL or reported in the Human Gene Mutation Database (HGMD: prior to June 1st, 2018), and was therefore a candidate for classification through an automated scoring system. Utilizing variant allele frequency, disease prevalence and penetrance estimates, and inheritance mode, an automated score was calculated to assess if this variant is too frequent to cause the disease. Based on the score and internal cut-off values, a variant classified as benign is not then subjected to further curation. The score for this variant resulted in a classification of benign for this disease.

Center for Pediatric Genomic Medicine, Children's Mercy Hospital and Clinics
Classification: Benign. Last evaluated: 2015-09-17. Review status: criteria provided, single submitter. Criteria: ACMG Guidelines, 2015. Collection method: clinical testing. Allele origin: germline.

NM_001080.3(ALDH5A1):c.886G>A (p.Ala296Thr)

Gene: ALDH5A1 (aldehyde dehydrogenase 5 family member A1; plus strand). Cytogenetic location: 6p22.3.
Variant type: single nucleotide variant.
Coding change: c.886G>A on transcript NM_001080.3 (MANE Select); coding-DNA position 886, G replaced by A.
Protein change: p.Ala296Thr; replaces alanine 296 with threonine.
Molecular consequence: missense variant.
Genome position (GRCh38, 1-based): chr6:24,520,416, G>A. VCF-style: chr6-24520416-G-A. GRCh37 (hg19) VCF-style: chr6-24520644-G-A.
Other names: p.Ala296Thr; c.742G>A, p.Ala248Thr (NM_001368954.1); c.925G>A, p.Ala309Thr (NM_170740.1); short protein forms A309T, A296T, A248T.
Identifiers: ClinVar variation 235630 (VCV000235630.18), dbSNP rs149482918, ClinGen allele CA3656788.